The following is an entry in ClinVar:

ClinVar aggregate classification (germline): Uncertain significance (1 of 4 stars; one submission).

Conditions:
X-linked Alport syndrome (ATS1). Also called: COL4A5-Related Nephropathy; NEPHROPATHY AND DEAFNESS, X-LINKED. Identifiers: Orphanet 63, Orphanet 88917, MedGen C4746986, MONDO:0010520, OMIM 301050.

Submission:

3billion
Classification: Uncertain significance for X-linked Alport syndrome. Last evaluated: 2025-02-11. Review status: criteria provided, single submitter. Criteria: ACMG Guidelines, 2015. Collection method: clinical testing. Allele origin: germline. Affected: yes.
Comment: The variant is not observed in the gnomAD v4.1.0 dataset. Predicted Consequence/Location: Synonymous variant In silico tools predict the variant to alter splicing and produce an abnormal transcript [SpliceAI: 0.20 (>=0.2, moderate evidence for spliceogenicity)]. Therefore, this variant is classified as VUS according to the recommendation of ACMG/AMP guideline.

NM_033380.3(COL4A5):c.4965G>A (p.Leu1655=)

Gene: COL4A5 (collagen type IV alpha 5 chain; plus strand). Cytogenetic location: Xq22.3.
Variant type: single nucleotide variant.
Coding change: c.4965G>A on transcript NM_033380.3 (MANE Select); coding-DNA position 4965, G replaced by A.
Protein change: p.Leu1655=; no amino-acid change (leucine 1655 retained).
Molecular consequence: synonymous variant.
Genome position (GRCh38, 1-based): chrX:108,695,410, G>A. VCF-style: chrX-108695410-G-A. GRCh37 (hg19) VCF-style: chrX-107938640-G-A.
Other names: c.4947G>A, p.Leu1649= (NM_000495.5).
Identifiers: ClinVar variation 4292654 (VCV004292654.1).